The following is an entry in ClinVar:

ClinVar aggregate classification (germline): Pathogenic (1 of 4 stars; one submission).

Conditions:
MHC class II deficiency. Also called: BLS, TYPE II; Bare lymphocyte syndrome 2. Identifiers: Orphanet 572, MedGen C5447452, MONDO:0008855.

Allele frequency attached by ClinVar (database versions not stated): TOPMed below 0.00001.

Submission:

Labcorp Genetics (formerly Invitae), Labcorp
Classification: Pathogenic for MHC class II deficiency. Last evaluated: 2024-02-24. Review status: criteria provided, single submitter. Criteria: Invitae Variant Classification Sherloc (09022015). Collection method: clinical testing. Allele origin: germline.
Comment: This sequence change creates a premature translational stop signal (p.Tyr91*) in the RFX5 gene. It is expected to result in an absent or disrupted protein product. Loss-of-function variants in RFX5 are known to be pathogenic (PMID: 7744245, 9401005, 10079298). This variant is not present in population databases (gnomAD no frequency). This variant has not been reported in the literature in individuals affected with RFX5-related conditions. ClinVar contains an entry for this variant (Variation ID: 1072890). For these reasons, this variant has been classified as Pathogenic.

Literature cited by the submitters: PubMed 7744245; PubMed 9401005; PubMed 10079298.

NM_001025603.2(RFX5):c.273T>G (p.Tyr91Ter)

Gene: RFX5 (regulatory factor X5; minus strand). Cytogenetic location: 1q21.3.
Variant type: single nucleotide variant.
Coding change: c.273T>G on transcript NM_001025603.2 (MANE Select); coding-DNA position 273, T replaced by G.
Protein change: p.Tyr91Ter; replaces tyrosine 91 with a stop codon.
Molecular consequence: nonsense. On other transcripts: intron variant (2).
Genome position (GRCh38, 1-based): chr1:151,344,808, A>C on the plus strand (T>G on the coding strand, the complement: RFX5 is on the minus strand). VCF-style: chr1-151344808-A-C. GRCh37 (hg19) VCF-style: chr1-151317284-A-C.
Other names: c.234-272T>G (NM_001379420.1, NM_001379419.1); c.273T>G, p.Tyr91Ter (NM_000449.4, NM_001379412.1, NM_001379413.1 and 5 more transcripts); short protein forms Y91*.
Identifiers: ClinVar variation 1072890 (VCV001072890.7), dbSNP rs1650858382, ClinGen allele CA341942980.